The following is an entry in ClinVar:

ClinVar aggregate classification (germline): Uncertain significance. Review status: criteria provided, multiple submitters, no conflicts (2 of 4 stars). 2 submissions from 2 submitters: Uncertain significance (2). Last evaluated 2024-12-08.

Conditions:
Legius syndrome. Identifiers: Orphanet 137605, MedGen C1969623, MONDO:0012669, OMIM 611431. Disease mechanism: loss of function.
Cardiovascular phenotype. Identifiers: MedGen CN230736.

Allele frequency attached by ClinVar (database versions not stated): gnomAD exomes below 0.00001; TOPMed below 0.00001; ExAC 0.00001.
gnomAD v4.1: 6 of 1,613,988 alleles (0.00037%); highest among the groups gnomAD compares: South Asian, 0.0011%; no homozygotes.

Submissions (2):

Ambry Genetics
Classification: Uncertain significance for Cardiovascular phenotype. Last evaluated: 2024-12-08. Review status: criteria provided, single submitter. Criteria: Ambry Variant Classification Scheme 2023. Collection method: clinical testing. Allele origin: germline.
Comment: The p.I60V variant (also known as c.178A>G), located in coding exon 2 of the SPRED1 gene, results from an A to G substitution at nucleotide position 178. The isoleucine at codon 60 is replaced by valine, an amino acid with highly similar properties. This amino acid position is conserved. In addition, this alteration is predicted to be tolerated by in silico analysis. Based on the available evidence, the clinical significance of this variant remains unclear.

Labcorp Genetics (formerly Invitae), Labcorp
Classification: Uncertain significance for Legius syndrome. Last evaluated: 2022-08-15. Review status: criteria provided, single submitter. Criteria: Invitae Variant Classification Sherloc (09022015). Collection method: clinical testing. Allele origin: germline.
Comment: This sequence change replaces isoleucine, which is neutral and non-polar, with valine, which is neutral and non-polar, at codon 60 of the SPRED1 protein (p.Ile60Val). This variant is present in population databases (rs761830220, gnomAD 0.003%). In summary, the available evidence is currently insufficient to determine the role of this variant in disease. Therefore, it has been classified as a Variant of Uncertain Significance. Algorithms developed to predict the effect of missense changes on protein structure and function (SIFT, PolyPhen-2, Align-GVGD) all suggest that this variant is likely to be tolerated. ClinVar contains an entry for this variant (Variation ID: 468793). This variant has not been reported in the literature in individuals affected with SPRED1-related conditions.

NM_152594.3(SPRED1):c.178A>G (p.Ile60Val)

Gene: SPRED1 (sprouty related EVH1 domain containing 1; plus strand). Cytogenetic location: 15q14.
Variant type: single nucleotide variant.
Coding change: c.178A>G on transcript NM_152594.3 (MANE Select); coding-DNA position 178, A replaced by G.
Protein change: p.Ile60Val; replaces isoleucine 60 with valine.
Molecular consequence: missense variant.
Genome position (GRCh38, 1-based): chr15:38,299,518, A>G. VCF-style: chr15-38299518-A-G. GRCh37 (hg19) VCF-style: chr15-38591719-A-G.
Other names: short protein forms I60V.
Identifiers: ClinVar variation 468793 (VCV000468793.12), dbSNP rs761830220, ClinGen allele CA7470003.